The following is an entry in ClinVar:

NM_000132.4(F8):c.4328_4331del (p.Lys1443fs)

Gene: F8 (coagulation factor VIII; minus strand). Cytogenetic location: Xq28.
Variant type: Microsatellite.
Coding change: c.4328_4331del on transcript NM_000132.4 (MANE Select); coding-DNA positions 4328 to 4331, 4 bases deleted (AAGA; older notation c.4328_4331delAAGA).
Protein change: p.Lys1443fs; shifts the reading frame from lysine 1443.
Molecular consequence: frameshift variant.
Genome position (GRCh38, 1-based): chrX:154,929,459-154,929,462, TCTT deleted on the plus strand (AAGA on the coding strand, the reverse complement: F8 is on the minus strand); deleting any 4 consecutive bases within chrX:154,929,459-154,929,469 gives the same sequence; the c. name uses the placement nearest the transcript's 3' end. VCF-style (leftmost placement, unchanged base first): chrX-154929458-ATCTT-A. GRCh37 (hg19) VCF-style: chrX-154157733-ATCTT-A.
Other names: F8, 4-BP DEL, FS; c.4328_4331delAAGA (NM_000132.3); short protein forms K1443fs.
Identifiers: ClinVar variation 10259 (VCV000010259.10), dbSNP rs387906454, ClinGen allele CA255150.

ClinVar aggregate classification (germline): Pathogenic. Review status: criteria provided, single submitter (1 of 4 stars). 2 submissions from 2 submitters: Pathogenic (1). 1 of the submissions does not count toward it. Last evaluated 2021-02-10.

Conditions:
Hereditary factor VIII deficiency disease (HEMA). Also called: HEMOPHILIA, CLASSIC; Hemophilia A; Hemophilia A, congenital; HEM A; Factor 8 deficiency, congenital; AUTOSOMAL HEMOPHILIA A. Identifiers: Orphanet 98878, MedGen C0019069, MONDO:0010602, OMIM 306700.

Submissions (2):

ARUP Laboratories, Molecular Genetics and Genomics, ARUP Laboratories
Classification: Pathogenic for Hereditary factor VIII deficiency disease. Last evaluated: 2021-02-10. Review status: criteria provided, single submitter. Criteria: ARUP Molecular Germline Variant Investigation Process 2021. Collection method: clinical testing. Allele origin: germline.
Comment: The F8 c.4328_4331delAAGA; p.Lys1443IlefsTer21 variant (rs387906454), also published as codon 1422 4bp del and codon 1423 4 bp del, is described in the literature in several individuals affected with severe hemophilia (Habart 2003, Naylor 1993, Waseem 1999, FVIII variant database and references therein). Individuals carrying this variant exhibit <1% of normal F8 clotting activity (FVIII variant database and references therein). This variant is absent from general population databases (Exome Variant Server, Genome Aggregation Database), indicating it is not a common polymorphism. This variant causes a frameshift by deleting four nucleotides, so it is predicted to result in a truncated protein or mRNA subject to nonsense-mediated decay. Considering available information, this variant is considered pathogenic for severe hemophilia. References: FVIII variant database: Habart D et al. Thirty-four novel mutations detected in factor VIII gene by multiplex CSGE: modeling of 13 novel amino acid substitutions. J Thromb Haemost. 2003 Apr;1(4):773-81. Naylor JA et al. Analysis of factor VIII mRNA reveals defects in everyone of 28 haemophilia A patients. Hum Mol Genet. 1993 Jan;2(1):11-7. Waseem NH et al. Start of UK confidential haemophilia A database: analysis of 142 patients by solid phase fluorescent chemical cleavage of mismatch. Haemophilia Centres. Thromb Haemost. 1999 Jun;81(6):900-5.

OMIM
Classification: Pathogenic for HEMOPHILIA A. Last evaluated: 1993-11-01. Review status: no assertion criteria provided. Collection method: literature only. Allele origin: germline. Not counted in ClinVar's aggregate classification.

Literature cited by the submitters: PubMed 8281136 (cited by OMIM).